The following is an entry in ClinVar:

ClinVar aggregate classification (germline): Uncertain significance (1 of 4 stars; one submission).

Conditions:
Spermatogenic failure 18. Identifiers: MedGen C4539783, MONDO:0054615, OMIM 617576.
Ciliary dyskinesia, primary, 37 (CILD37). Also called: CILIARY DYSKINESIA, PRIMARY, 37, WITH OR WITHOUT SITUS INVERSUS. Identifiers: MedGen C4539798, MONDO:0033204, OMIM 617577.

Allele frequency attached by ClinVar (database versions not stated): TOPMed 0.00006; ExAC 0.00008; ESP Exome Variant Server 0.00008; gnomAD 0.00009.
gnomAD v4.1: 118 of 1,613,896 alleles (0.0073%); highest among the groups gnomAD compares: Admixed American, 0.017%; 1 homozygote.

Submission:

Labcorp Genetics (formerly Invitae), Labcorp
Classification: Uncertain significance for Ciliary dyskinesia, primary, 37; Spermatogenic failure 18. Last evaluated: 2022-03-19. Review status: criteria provided, single submitter. Criteria: Invitae Variant Classification Sherloc (09022015). Collection method: clinical testing. Allele origin: germline.
Comment: This sequence change replaces arginine, which is basic and polar, with histidine, which is basic and polar, at codon 382 of the DNAH1 protein (p.Arg382His). This variant is present in population databases (rs377099238, gnomAD 0.02%). This variant has not been reported in the literature in individuals affected with DNAH1-related conditions. ClinVar contains an entry for this variant (Variation ID: 664364). Algorithms developed to predict the effect of missense changes on protein structure and function are either unavailable or do not agree on the potential impact of this missense change (SIFT: "Deleterious"; PolyPhen-2: "Probably Damaging"; Align-GVGD: "Class C0"). In summary, the available evidence is currently insufficient to determine the role of this variant in disease. Therefore, it has been classified as a Variant of Uncertain Significance.

NM_015512.5(DNAH1):c.1145G>A (p.Arg382His)

Gene: DNAH1 (dynein axonemal heavy chain 1; plus strand). Cytogenetic location: 3p21.1.
Variant type: single nucleotide variant.
Coding change: c.1145G>A on transcript NM_015512.5 (MANE Select); coding-DNA position 1145, G replaced by A.
Protein change: p.Arg382His; replaces arginine 382 with histidine.
Molecular consequence: missense variant.
Genome position (GRCh38, 1-based): chr3:52,332,253, G>A. VCF-style: chr3-52332253-G-A. GRCh37 (hg19) VCF-style: chr3-52366269-G-A.
Other names: short protein forms R382H.
Identifiers: ClinVar variation 664364 (VCV000664364.5), dbSNP rs377099238, ClinGen allele CA2432888.
Genomic context (GRCh38, chr3:52,332,253, plus strand): 5'-TCTTCTGCGCTGAGGACCCTTGCATGTTCGCACAACGTGTGGTCCAGGCCAACGCCCTGC[G>A]CAAGAACACGGAAGCACTGCTGCTCTACAACTTGTATGTGGACTGCATGCCCTCTGACGG-3'
Protein context (NP_056327.4, residues 372-392): AQRVVQANAL[Arg382His]KNTEALLLYN